The following is an entry in ClinVar:

NM_000523.4(HOXD13):c.316G>C (p.Glu106Gln)

Gene: HOXD13 (homeobox D13; plus strand). Cytogenetic location: 2q31.1.
Variant type: single nucleotide variant.
Coding change: c.316G>C on transcript NM_000523.4 (MANE Select); coding-DNA position 316, G replaced by C.
Protein change: p.Glu106Gln; replaces glutamic acid 106 with glutamine.
Molecular consequence: missense variant.
Genome position (GRCh38, 1-based): chr2:176,093,206, G>C. VCF-style: chr2-176093206-G-C. GRCh37 (hg19) VCF-style: chr2-176957934-G-C.
Other names: short protein forms E106Q.
Identifiers: ClinVar variation 3777412 (VCV003777412.1).
Genomic context (GRCh38, chr2:176,093,206, plus strand): 5'-TCCTCGTCGTCGTCCTCTTCTGCCGTTGTAGCGGCGCGCCCGGAGGCTCCCCCAGCCAAA[G>C]AGTGCCCAGCACCCACGCCTGCAGCGGCCGCTGCAGCGCCCCCGAGCGCTCCAGCGCTGG-3'
Protein context (NP_000514.2, residues 96-116): AARPEAPPAK[Glu106Gln]CPAPTPAAAA

ClinVar aggregate classification (germline): Uncertain significance (1 of 4 stars; one submission).

Submission:

GeneDx
Classification: Uncertain significance. Last evaluated: 2024-10-11. Review status: criteria provided, single submitter. Criteria: GeneDx Variant Classification Process June 2021. Collection method: clinical testing. Allele origin: germline. Affected: yes.
Comment: In silico analysis indicates that this missense variant does not alter protein structure/function; Has not been previously published as pathogenic or benign to our knowledge